The following is an entry in ClinVar:

ClinVar aggregate classification (germline): Uncertain significance. Review status: criteria provided, multiple submitters, no conflicts (2 of 4 stars). 2 submissions from 2 submitters: Uncertain significance (2). Last evaluated 2024-06-24.

Conditions:
Nemaline myopathy 2 (NEM2). Also called: Nemaline myopathy 2, autosomal recessive. Identifiers: MedGen C1850569, MONDO:0009725, OMIM 256030.

Submissions (2):

Revvity Omics, Revvity
Classification: Uncertain significance. Last evaluated: 2024-06-24. Review status: criteria provided, single submitter. Criteria: ACMG Guidelines, 2015. Collection method: clinical testing. Allele origin: germline.

Labcorp Genetics (formerly Invitae), Labcorp
Classification: Uncertain significance for Nemaline myopathy 2. Last evaluated: 2021-07-02. Review status: criteria provided, single submitter. Criteria: Invitae Variant Classification Sherloc (09022015). Collection method: clinical testing. Allele origin: germline.
Comment: This sequence change replaces glutamic acid with lysine at codon 1702 of the NEB protein (p.Glu1702Lys). The glutamic acid residue is moderately conserved and there is a small physicochemical difference between glutamic acid and lysine. This variant is not present in population databases (ExAC no frequency). This variant has not been reported in the literature in individuals affected with NEB-related conditions. Algorithms developed to predict the effect of missense changes on protein structure and function are either unavailable or do not agree on the potential impact of this missense change (SIFT: "Deleterious"; PolyPhen-2: "Not Available"; Align-GVGD: "Class C0"). In summary, the available evidence is currently insufficient to determine the role of this variant in disease. Therefore, it has been classified as a Variant of Uncertain Significance.

NM_001164508.2(NEB):c.5104G>A (p.Glu1702Lys)

Gene: NEB (nebulin; minus strand). Cytogenetic location: 2q23.3.
Variant type: single nucleotide variant.
Coding change: c.5104G>A on transcript NM_001164508.2 (MANE Select); coding-DNA position 5104, G replaced by A.
Protein change: p.Glu1702Lys; replaces glutamic acid 1702 with lysine.
Molecular consequence: missense variant.
Genome position (GRCh38, 1-based): chr2:151,665,467, C>T on the plus strand (G>A on the coding strand, the complement: NEB is on the minus strand). VCF-style: chr2-151665467-C-T. GRCh37 (hg19) VCF-style: chr2-152521981-C-T.
Other names: c.5104G>A, p.Glu1702Lys (NM_001164507.2, NM_001271208.2, NM_004543.5); short protein forms E1702K.
Identifiers: ClinVar variation 1958377 (VCV001958377.3), dbSNP rs2552257845, ClinGen allele CA348812318.